The following is an entry in ClinVar:

ClinVar aggregate classification (germline): Likely pathogenic (1 of 4 stars; one submission).

Submission:

Labcorp Genetics (formerly Invitae), Labcorp
Classification: Likely pathogenic. Last evaluated: 2024-02-27. Review status: criteria provided, single submitter. Criteria: Invitae Variant Classification Sherloc (09022015). Collection method: clinical testing. Allele origin: germline.
Comment: This sequence change affects a donor splice site in intron 12 of the FREM1 gene. It is expected to disrupt RNA splicing. Variants that disrupt the donor or acceptor splice site typically lead to a loss of protein function (PMID: 16199547), and loss-of-function variants in FREM1 are known to be pathogenic (PMID: 19732862, 21507892). This variant is not present in population databases (gnomAD no frequency). This variant has not been reported in the literature in individuals affected with FREM1-related conditions. Algorithms developed to predict the effect of sequence changes on RNA splicing suggest that this variant may disrupt the consensus splice site. In summary, the currently available evidence indicates that the variant is pathogenic, but additional data are needed to prove that conclusively. Therefore, this variant has been classified as Likely Pathogenic.

Literature cited by the submitters: PubMed 16199547; PubMed 19732862; PubMed 21507892.

NM_001379081.2(FREM1):c.2078+1G>T

Gene: FREM1 (FRAS1 related extracellular matrix 1; minus strand). Cytogenetic location: 9p22.3.
Variant type: single nucleotide variant.
Coding change: c.2078+1G>T on transcript NM_001379081.2 (MANE Select); the canonical splice donor site of the intron after coding-DNA position 2078, G replaced by T.
Molecular consequence: splice donor variant.
Genome position (GRCh38, 1-based): chr9:14,824,795, C>A on the plus strand (G>T on the coding strand, the complement: FREM1 is on the minus strand). VCF-style: chr9-14824795-C-A. GRCh37 (hg19) VCF-style: chr9-14824793-C-A.
Other names: c.2078+1G>T (NM_144966.7).
Identifiers: ClinVar variation 2868383 (VCV002868383.3), dbSNP rs2538012142, ClinGen allele CA372956852.